The following is an entry in ClinVar:

ClinVar aggregate classification (germline): Conflicting classifications of pathogenicity. Review status: criteria provided, conflicting classifications (1 of 4 stars). 2 submissions from 2 submitters: Likely pathogenic (1); Uncertain significance (1). Last evaluated 2026-02-03.

Conditions:
Peutz-Jeghers syndrome (PJS). Also called: POLYPOSIS, HAMARTOMATOUS INTESTINAL; POLYPS-AND-SPOTS SYNDROME; Peutz-Jeghers polyposis; Periorificial lentiginosis syndrome. Identifiers: Orphanet 2869, MedGen C0031269, MeSH D010580, MONDO:0008280, OMIM 175200.
Hereditary cancer-predisposing syndrome. Also called: Neoplastic Syndromes, Hereditary; Tumor predisposition; Hereditary neoplastic syndrome; Hereditary Cancer Syndrome. Identifiers: Orphanet 140162, MedGen C0027672, MeSH D009386, MONDO:0015356.

Submissions (2):

Ambry Genetics
Classification: Likely pathogenic for Hereditary cancer-predisposing syndrome. Last evaluated: 2026-02-03. Review status: criteria provided, single submitter. Criteria: Ambry Variant Classification Scheme 2023. Collection method: clinical testing. Allele origin: germline.
Comment: The p.S216F variant (also known as c.647C>T), located in coding exon 5 of the STK11 gene, results from a C to T substitution at nucleotide position 647. The serine at codon 216 is replaced by phenylalanine, an amino acid with highly dissimilar properties. This variant was reported in individual(s) with features consistent with Peutz-Jeghers syndrome (External communication). In an assay testing STK11 function, this variant showed a functionally abnormal result (Donnelly LL et al. Carcinogenesis, 2021 Dec;42:1428-1438). This amino acid position is highly conserved in available vertebrate species. In addition, this alteration is predicted to be deleterious by in silico analysis. This variant is considered to be rare based on population cohorts in the Genome Aggregation Database (gnomAD). Based on the majority of available evidence to date, this variant is likely to be pathogenic.

Labcorp Genetics (formerly Invitae), Labcorp
Classification: Uncertain significance for Peutz-Jeghers syndrome. Last evaluated: 2022-01-17. Review status: criteria provided, single submitter. Criteria: Invitae Variant Classification Sherloc (09022015). Collection method: clinical testing. Allele origin: germline.
Comment: This missense change has been observed in individual(s) with clinical features of Peutz-Jeghers syndrome (Invitae). This sequence change replaces serine, which is neutral and polar, with phenylalanine, which is neutral and non-polar, at codon 216 of the STK11 protein (p.Ser216Phe). This variant is not present in population databases (gnomAD no frequency). ClinVar contains an entry for this variant (Variation ID: 376708). Advanced modeling of protein sequence and biophysical properties (such as structural, functional, and spatial information, amino acid conservation, physicochemical variation, residue mobility, and thermodynamic stability) performed at Invitae indicates that this missense variant is expected to disrupt STK11 protein function. In summary, the available evidence is currently insufficient to determine the role of this variant in disease. Therefore, it has been classified as a Variant of Uncertain Significance.

Literature cited by the submitters: PubMed 34849607 (cited by Ambry Genetics).

NM_000455.5(STK11):c.647C>T (p.Ser216Phe)

Gene: STK11 (serine/threonine kinase 11; plus strand). Cytogenetic location: 19p13.3.
Variant type: single nucleotide variant.
Coding change: c.647C>T on transcript NM_000455.5 (MANE Select); coding-DNA position 647, C replaced by T.
Protein change: p.Ser216Phe; replaces serine 216 with phenylalanine.
Molecular consequence: missense variant.
Genome position (GRCh38, 1-based): chr19:1,220,630, C>T. VCF-style: chr19-1220630-C-T. GRCh37 (hg19) VCF-style: chr19-1220629-C-T.
Other names: short protein forms S216F.
Identifiers: ClinVar variation 376708 (VCV000376708.12), dbSNP rs1057520017, ClinGen allele CA16603119.